The following is an entry in ClinVar:

ClinVar aggregate classification (germline): Uncertain significance. Review status: criteria provided, multiple submitters, no conflicts (2 of 4 stars). 2 submissions from 2 submitters: Uncertain significance (2). Last evaluated 2024-10-04.

Conditions:
Inborn genetic diseases. Identifiers: MedGen C0950123, MeSH D030342.

Allele frequency attached by ClinVar (database versions not stated): gnomAD exomes 0.00001; TOPMed 0.00004; gnomAD 0.00005.
gnomAD v4.1: 25 of 1,613,328 alleles (0.0015%); highest among the groups gnomAD compares: Middle Eastern, 0.016%; no homozygotes.

Submissions (2):

Ambry Genetics
Classification: Uncertain significance for Inborn genetic diseases. Last evaluated: 2024-10-04. Review status: criteria provided, single submitter. Criteria: Ambry Variant Classification Scheme 2023. Collection method: clinical testing. Allele origin: germline.

GeneDx
Classification: Uncertain significance. Last evaluated: 2022-02-25. Review status: criteria provided, single submitter. Criteria: GeneDx Variant Classification Process June 2021. Collection method: clinical testing. Allele origin: germline. Affected: yes.
Comment: Not observed at significant frequency in large population cohorts (gnomAD); In silico analysis supports that this missense variant does not alter protein structure/function; Has not been previously published as pathogenic or benign to our knowledge

NM_001040716.2(PC):c.913G>A (p.Glu305Lys)

Gene: PC (pyruvate carboxylase; minus strand). Cytogenetic location: 11q13.2.
Variant type: single nucleotide variant.
Coding change: c.913G>A on transcript NM_001040716.2 (MANE Select); coding-DNA position 913, G replaced by A.
Protein change: p.Glu305Lys; replaces glutamic acid 305 with lysine.
Molecular consequence: missense variant.
Genome position (GRCh38, 1-based): chr11:66,868,955, C>T on the plus strand (G>A on the coding strand, the complement: PC is on the minus strand). VCF-style: chr11-66868955-C-T. GRCh37 (hg19) VCF-style: chr11-66636426-C-T.
Other names: c.913G>A, p.Glu305Lys (NM_000920.4, NM_022172.3); short protein forms E305K.
Identifiers: ClinVar variation 1703321 (VCV001703321.3), dbSNP rs1487446205, ClinGen allele CA381500515.